The following is an entry in ClinVar:

ClinVar aggregate classification (germline): Uncertain significance (1 of 4 stars; one submission).

Submission:

Labcorp Genetics (formerly Invitae), Labcorp
Classification: Uncertain significance. Last evaluated: 2021-12-18. Review status: criteria provided, single submitter. Criteria: Invitae Variant Classification Sherloc (09022015). Collection method: clinical testing. Allele origin: germline.
Comment: In summary, the available evidence is currently insufficient to determine the role of this variant in disease. Therefore, it has been classified as a Variant of Uncertain Significance. Algorithms developed to predict the effect of missense changes on protein structure and function output the following: SIFT: "Tolerated"; PolyPhen-2: "Benign"; Align-GVGD: "Class C0". The glutamine amino acid residue is found in multiple mammalian species, which suggests that this missense change does not adversely affect protein function. This variant has not been reported in the literature in individuals affected with WDR87-related conditions. This variant is not present in population databases (gnomAD no frequency). This sequence change replaces glutamic acid, which is acidic and polar, with glutamine, which is neutral and polar, at codon 1570 of the WDR87 protein (p.Glu1570Gln).

NM_001291088.2(WDR87):c.4825G>C (p.Glu1609Gln)

Gene: WDR87 (WD repeat domain 87; minus strand). Cytogenetic location: 19q13.13.
Variant type: single nucleotide variant.
Coding change: c.4825G>C on transcript NM_001291088.2 (MANE Select); coding-DNA position 4825, G replaced by C.
Protein change: p.Glu1609Gln; replaces glutamic acid 1609 with glutamine.
Molecular consequence: missense variant.
Genome position (GRCh38, 1-based): chr19:37,888,846, C>G on the plus strand (G>C on the coding strand, the complement: WDR87 is on the minus strand). VCF-style: chr19-37888846-C-G. GRCh37 (hg19) VCF-style: chr19-38379486-C-G.
Other names: c.4708G>C, p.Glu1570Gln (NM_031951.5); short protein forms E1609Q, E1570Q.
Identifiers: ClinVar variation 2047207 (VCV002047207.4), dbSNP rs2513345086, ClinGen allele CA405607707.